The following is an entry in ClinVar:

NM_003072.5(SMARCA4):c.4875C>A (p.Val1625=)

Gene: SMARCA4 (SWI/SNF related BAF chromatin remodeling complex subunit ATPase 4; plus strand). Cytogenetic location: 19p13.2.
Variant type: single nucleotide variant.
Coding change: c.4875C>A on transcript NM_003072.5 (MANE Select); coding-DNA position 4875, C replaced by A.
Protein change: p.Val1625=; no amino-acid change (valine 1625 retained).
Molecular consequence: synonymous variant. On other transcripts: non-coding transcript variant (1).
Genome position (GRCh38, 1-based): chr19:11,060,151, C>A. VCF-style: chr19-11060151-C-A. GRCh37 (hg19) VCF-style: chr19-11170827-C-A.
Other names: c.4875C>A, p.Val1625= (NM_001128844.3); c.4785C>A, p.Val1595= (NM_001128845.2); c.4782C>A, p.Val1594= (NM_001128846.2); c.4776C>A, p.Val1592= (NM_001128847.4, NM_001374457.1); c.4773C>A, p.Val1591= (NM_001128848.2); c.4971C>A, p.Val1657= (NM_001128849.3, NM_001387283.1); c.4872C>A, p.Val1624= (NM_001411150.1).
Identifiers: ClinVar variation 1744469 (VCV001744469.20), dbSNP rs146427223, ClinGen allele CA505495502.

ClinVar aggregate classification (germline): Likely benign. Review status: criteria provided, multiple submitters, no conflicts (2 of 4 stars). 3 submissions from 3 submitters: Likely benign (3). Last evaluated 2025-02-01.

Conditions:
Hereditary cancer-predisposing syndrome. Also called: Hereditary neoplastic syndrome; Neoplastic Syndromes, Hereditary; Tumor predisposition; Hereditary Cancer Syndrome. Identifiers: Orphanet 140162, MedGen C0027672, MeSH D009386, MONDO:0015356.
Rhabdoid tumor predisposition syndrome 2 (RTPS2). Identifiers: Orphanet 231108, Orphanet 69077, MedGen C2750074, MONDO:0013224, OMIM 613325.

gnomAD v4.1: 1 of 1,551,168 alleles (0.000064%); highest among the groups gnomAD compares: Non-Finnish European, 0.000087%; no homozygotes.

Submissions (3):

CeGaT Center for Human Genetics Tuebingen
Classification: Likely benign. Last evaluated: 2025-02-01. Review status: criteria provided, single submitter. Criteria: CeGaT Center For Human Genetics Tuebingen Variant Classification Criteria Version 2. Collection method: clinical testing. Allele origin: germline. Affected: yes. Observed: 1 variant allele.
Comment: SMARCA4: BP4, BP7

Labcorp Genetics (formerly Invitae), Labcorp
Classification: Likely benign for Rhabdoid tumor predisposition syndrome 2. Last evaluated: 2023-06-05. Review status: criteria provided, single submitter. Criteria: Invitae Variant Classification Sherloc (09022015). Collection method: clinical testing. Allele origin: germline.

Ambry Genetics
Classification: Likely benign for Hereditary cancer-predisposing syndrome. Last evaluated: 2017-10-11. Review status: criteria provided, single submitter. Criteria: Ambry Variant Classification Scheme 2023. Collection method: clinical testing. Allele origin: germline.